The following is an entry in ClinVar:

NM_017534.6(MYH2):c.3574G>A (p.Glu1192Lys)

Genes: MYH2 (myosin heavy chain 2; minus strand), MYHAS (myosin heavy chain gene cluster antisense RNA; plus strand). Cytogenetic location: 17p13.1.
Variant type: single nucleotide variant.
Coding change: c.3574G>A on transcript NM_017534.6 (MANE Select); coding-DNA position 3574, G replaced by A.
Protein change: p.Glu1192Lys; replaces glutamic acid 1192 with lysine.
Molecular consequence: missense variant.
Genome position (GRCh38, 1-based): chr17:10,528,860, C>T on the plus strand (G>A on the coding strand, the complement: MYH2 is on the minus strand). VCF-style: chr17-10528860-C-T. GRCh37 (hg19) VCF-style: chr17-10432177-C-T.
Other names: c.3574G>A, p.Glu1192Lys (NM_001100112.2); c.3574G>A (NM_017534.5); short protein forms E1192K.
Identifiers: ClinVar variation 1520472 (VCV001520472.7), dbSNP rs780122233, ClinGen allele CA8390863.

ClinVar aggregate classification (germline): Uncertain significance. Review status: criteria provided, multiple submitters, no conflicts (2 of 4 stars). 2 submissions from 2 submitters: Uncertain significance (2). Last evaluated 2025-08-03.

Conditions:
Inborn genetic diseases. Identifiers: MedGen C0950123, MeSH D030342.
Myopathy, proximal, and ophthalmoplegia (CMYO6). Also called: MYOPATHY WITH CONGENITAL JOINT CONTRACTURES, OPHTHALMOPLEGIA, AND RIMMED VACUOLES; INCLUSION BODY MYOPATHY 3, AUTOSOMAL DOMINANT; CONGENITAL MYOPATHY 6 WITH OPHTHALMOPLEGIA. Identifiers: Orphanet 363677, Orphanet 79091, MedGen C1854106, MONDO:0011577, OMIM 605637.

Allele frequency attached by ClinVar (database versions not stated): ExAC 0.00001; gnomAD 0.00001; gnomAD exomes 0.00001 and 0.00004; TOPMed 0.00003.
gnomAD v4.1: 17 of 1,614,128 alleles (0.0011%); highest among the groups gnomAD compares: Admixed American, 0.02%; no homozygotes.

Submissions (2):

Labcorp Genetics (formerly Invitae), Labcorp
Classification: Uncertain significance for Myopathy, proximal, and ophthalmoplegia. Last evaluated: 2025-08-03. Review status: criteria provided, single submitter. Criteria: Invitae Variant Classification Sherloc (09022015). Collection method: clinical testing. Allele origin: germline.
Comment: This sequence change replaces glutamic acid, which is acidic and polar, with lysine, which is basic and polar, at codon 1192 of the MYH2 protein (p.Glu1192Lys). This variant is present in population databases (rs780122233, gnomAD 0.03%). This variant has not been reported in the literature in individuals affected with MYH2-related conditions. ClinVar contains an entry for this variant (Variation ID: 1520472). Invitae Evidence Modeling of protein sequence and biophysical properties (such as structural, functional, and spatial information, amino acid conservation, physicochemical variation, residue mobility, and thermodynamic stability) indicates that this missense variant is not expected to disrupt MYH2 protein function with a negative predictive value of 80%. In summary, the available evidence is currently insufficient to determine the role of this variant in disease. Therefore, it has been classified as a Variant of Uncertain Significance.

Ambry Genetics
Classification: Uncertain significance for Inborn genetic diseases. Last evaluated: 2022-08-11. Review status: criteria provided, single submitter. Criteria: Ambry Variant Classification Scheme 2023. Collection method: clinical testing. Allele origin: germline.